The following is an entry in ClinVar:

NM_004415.4(DSP):c.2023A>T (p.Ile675Phe)

Gene: DSP (desmoplakin; plus strand). Cytogenetic location: 6p24.3.
Variant type: single nucleotide variant.
Coding change: c.2023A>T on transcript NM_004415.4 (MANE Select); coding-DNA position 2023, A replaced by T.
Protein change: p.Ile675Phe; replaces isoleucine 675 with phenylalanine.
Molecular consequence: missense variant.
Genome position (GRCh38, 1-based): chr6:7,571,961, A>T. VCF-style: chr6-7571961-A-T. GRCh37 (hg19) VCF-style: chr6-7572194-A-T.
Other names: c.2023A>T (NM_004415.2); c.2023A>T, p.Ile675Phe (NM_001008844.3, NM_001319034.2); short protein forms I675F.
Identifiers: ClinVar variation 1057849 (VCV001057849.12), dbSNP rs142619902, ClinGen allele CA031318.

ClinVar aggregate classification (germline): Uncertain significance. Review status: criteria provided, multiple submitters, no conflicts (2 of 4 stars). 4 submissions from 4 submitters: Uncertain significance (4). Last evaluated 2026-07-21.

Conditions:
Arrhythmogenic cardiomyopathy with wooly hair and keratoderma. Also called: PALMOPLANTAR KERATODERMA WITH LEFT VENTRICULAR CARDIOMYOPATHY AND WOOLLY HAIR; Dilated cardiomyopathy with woolly hair and keratoderma; Carvajal syndrome; Arrhythmogenic cardiomyopathy with woolly hair and keratoderma. Identifiers: Orphanet 65282, MedGen C1854063, MONDO:0011581, OMIM 605676.
Arrhythmogenic right ventricular dysplasia 8 (ARVD8). Also called: Arrhythmogenic Right Ventricular Dysplasia/Cardiomyopathy 8; ARRHYTHMOGENIC RIGHT VENTRICULAR DYSPLASIA, FAMILIAL, 8; ARRHYTHMOGENIC RIGHT VENTRICULAR CARDIOMYOPATHY 8. Identifiers: MedGen C1843896, MONDO:0011831, OMIM 607450.
Cardiovascular phenotype. Identifiers: MedGen CN230736.
Cardiomyopathy (CMYO). Also called: Cardiomyopathies. Identifiers: Orphanet 167848, MedGen C0878544, MONDO:0004994, HP:0001638. Inheritance: Various modes of inheritance.

Submissions (4):

Ambry Genetics
Classification: Uncertain significance for Cardiovascular phenotype. Last evaluated: 2026-07-21. Review status: criteria provided, single submitter. Criteria: Ambry Variant Classification Scheme 2023. Collection method: clinical testing. Allele origin: germline.
Comment: The p.I675F variant (also known as c.2023A>T), located in coding exon 15 of the DSP gene, results from an A to T substitution at nucleotide position 2023. The isoleucine at codon 675 is replaced by phenylalanine, an amino acid with highly similar properties. This amino acid position is conserved. In addition, this alteration is predicted to be tolerated by in silico analysis. Based on the available evidence, the clinical significance of this variant remains unclear.

Color Diagnostics, LLC DBA Color Health
Classification: Uncertain significance for Cardiomyopathy. Last evaluated: 2025-08-26. Review status: criteria provided, single submitter. Criteria: ACMG Guidelines, 2015. Collection method: clinical testing. Allele origin: germline.
Comment: This missense variant replaces isoleucine with phenylalanine at codon 675 of the DSP protein. Computational prediction suggests that this variant may not impact protein structure and function. To our knowledge, functional studies have not been reported for this variant. This variant has not been reported in individuals affected with DSP-related disorders in the literature. This variant has been identified in 1/251238 chromosomes in the general population by the Genome Aggregation Database (gnomAD). The available evidence is insufficient to determine the role of this variant in disease conclusively. Therefore, this variant is classified as a Variant of Uncertain Significance.

GeneDx
Classification: Uncertain significance. Last evaluated: 2023-05-02. Review status: criteria provided, single submitter. Criteria: GeneDx Variant Classification Process June 2021. Collection method: clinical testing. Allele origin: germline. Affected: yes.
Comment: Not observed at significant frequency in large population cohorts (gnomAD); In silico analysis supports that this missense variant has a deleterious effect on protein structure/function; Has not been previously published as pathogenic or benign to our knowledge

Labcorp Genetics (formerly Invitae), Labcorp
Classification: Uncertain significance for Arrhythmogenic cardiomyopathy with wooly hair and keratoderma; Arrhythmogenic right ventricular dysplasia 8. Last evaluated: 2020-01-27. Review status: criteria provided, single submitter. Criteria: Invitae Variant Classification Sherloc (09022015). Collection method: clinical testing. Allele origin: germline.
Comment: In summary, the available evidence is currently insufficient to determine the role of this variant in disease. Therefore, it has been classified as a Variant of Uncertain Significance. Algorithms developed to predict the effect of missense changes on protein structure and function are either unavailable or do not agree on the potential impact of this missense change (SIFT: "Deleterious"; PolyPhen-2: "Benign"; Align-GVGD: "Class C0"). This variant has not been reported in the literature in individuals with DSP-related conditions. This variant is present in population databases (rs142619902, ExAC 0.001%). This sequence change replaces isoleucine with phenylalanine at codon 675 of the DSP protein (p.Ile675Phe). The isoleucine residue is moderately conserved and there is a small physicochemical difference between isoleucine and phenylalanine.